The following is an entry in ClinVar:

ClinVar aggregate classification (germline): Uncertain significance (1 of 4 stars; one submission).

Allele frequency attached by ClinVar (database versions not stated): gnomAD exomes 0.00001.
gnomAD v4.1: 8 of 1,611,148 alleles (0.0005%); highest among the groups gnomAD compares: South Asian, 0.0089%; no homozygotes.

Submission:

Ambry Genetics
Classification: Uncertain significance. Last evaluated: 2023-11-10. Review status: criteria provided, single submitter. Criteria: Ambry Variant Classification Scheme 2023. Collection method: clinical testing. Allele origin: germline.
Comment: The p.S437G variant (also known as c.1309A>G), located in coding exon 13 of the SLMAP gene, results from an A to G substitution at nucleotide position 1309. The serine at codon 437 is replaced by glycine, an amino acid with similar properties. This amino acid position is conserved. In addition, the in silico prediction for this alteration is inconclusive. Since supporting evidence is limited at this time, the clinical significance of this alteration remains unclear.

NM_001377540.1(SLMAP):c.1411A>G (p.Ser471Gly)

Gene: SLMAP (sarcolemma associated protein; plus strand). Cytogenetic location: 3p14.3.
Variant type: single nucleotide variant.
Coding change: c.1411A>G on transcript NM_001377540.1 (MANE Select); coding-DNA position 1411, A replaced by G.
Protein change: p.Ser471Gly; replaces serine 471 with glycine.
Molecular consequence: missense variant. On other transcripts: 5 prime UTR variant (7), non-coding transcript variant (1).
Genome position (GRCh38, 1-based): chr3:57,896,561, A>G. VCF-style: chr3-57896561-A-G. GRCh37 (hg19) VCF-style: chr3-57882288-A-G.
Other names: c.1246A>G, p.Ser416Gly (NM_001304421.2, NM_001377557.1, NM_001377559.1 and 1 more transcripts); c.-39A>G (NM_001304422.3, NM_001304423.3, NM_001311178.2 and 4 more transcripts); c.1411A>G, p.Ser471Gly (NM_001377538.1, NM_001377539.1, NM_001377555.1); c.1360A>G, p.Ser454Gly (NM_001377541.1, NM_001377542.1, NM_001377562.1 and 2 more transcripts); c.1348A>G, p.Ser450Gly (NM_001377545.1, NM_001377922.1); c.1309A>G, p.Ser437Gly (NM_001377549.1, NM_001377923.1, NM_007159.5); c.1297A>G, p.Ser433Gly (NM_001377551.1, NM_001377552.1, NM_001377924.1); short protein forms S416G, S433G, S437G, S450G, S454G, S471G.
Identifiers: ClinVar variation 3225995 (VCV003225995.1), dbSNP rs2474770849, ClinGen allele CA353412080.